The following is an entry in ClinVar:

ClinVar aggregate classification (germline): Uncertain significance (1 of 4 stars; one submission).

Allele frequency attached by ClinVar (database versions not stated): TOPMed below 0.00001.

Submission:

Labcorp Genetics (formerly Invitae), Labcorp
Classification: Uncertain significance. Last evaluated: 2022-08-12. Review status: criteria provided, single submitter. Criteria: Invitae Variant Classification Sherloc (09022015). Collection method: clinical testing. Allele origin: germline.
Comment: This sequence change replaces lysine, which is basic and polar, with glutamic acid, which is acidic and polar, at codon 516 of the SLC6A19 protein (p.Lys516Glu). This variant is not present in population databases (gnomAD no frequency). This variant has not been reported in the literature in individuals affected with SLC6A19-related conditions. Algorithms developed to predict the effect of missense changes on protein structure and function (SIFT, PolyPhen-2, Align-GVGD) all suggest that this variant is likely to be tolerated. In summary, the available evidence is currently insufficient to determine the role of this variant in disease. Therefore, it has been classified as a Variant of Uncertain Significance.

NM_001003841.3(SLC6A19):c.1546A>G (p.Lys516Glu)

Gene: SLC6A19 (solute carrier family 6 member 19; plus strand). Cytogenetic location: 5p15.33.
Variant type: single nucleotide variant.
Coding change: c.1546A>G on transcript NM_001003841.3 (MANE Select); coding-DNA position 1546, A replaced by G.
Protein change: p.Lys516Glu; replaces lysine 516 with glutamic acid.
Molecular consequence: missense variant.
Genome position (GRCh38, 1-based): chr5:1,221,158, A>G. VCF-style: chr5-1221158-A-G. GRCh37 (hg19) VCF-style: chr5-1221273-A-G.
Other names: short protein forms K516E.
Identifiers: ClinVar variation 1972921 (VCV001972921.2), dbSNP rs1746368997, ClinGen allele CA359076624.